The following is an entry in ClinVar:

GRCh37/hg19 18q12.1-12.2(chr18:28752661-34829582)x1

Genes: ASXL3 (ASXL transcriptional regulator 3; plus strand), B4GALT6 (beta-1,4-galactosyltransferase 6; minus strand), CCDC178 (coiled-coil domain containing 178; minus strand), CELF4 (CUGBP Elav-like family member 4; minus strand), DSG1 (desmoglein 1; plus strand) and 29 more. Cytogenetic location: 18q12.1-12.2.
Variant type: copy number loss.
Change: copy number 1 (one copy instead of two) of chr18:28,752,661-34,829,582 (6.08 Mb, GRCh37 coordinates, 1-based), cytogenetic band 18q12.1-12.2.
Identifiers: ClinVar variation 4682935 (VCV004682935.1).

ClinVar aggregate classification (germline): Pathogenic (1 of 4 stars; one submission).

Submission:

Quest Diagnostics Nichols Institute San Juan Capistrano
Classification: Pathogenic. Last evaluated: 2025-06-25. Review status: criteria provided, single submitter. Criteria: ACMG/ClinGen CNV Guidelines, 2019. Collection method: clinical testing. Allele origin: unknown.
Comment: This deletion involves at least 33 protein-coding genes, including ASXL3 (OMIM 615115). Haploinsufficiency of ASXL3 is associated with autosomal dominant Bainbridge-Ropers syndrome (OMIM 615485; CCID:006705), which is characterized by various phenotypes (Wang 2022). Heterozygous loss-of-function variants of DSG2 are associated with autosomal dominant familial arrhythmogenic right ventricular dysplasia-10 (OMIM 610193; CCID:007037), which exhibits incomplete penetrance. There are no similar copy number losses of this region in the general populations of the Database of Genomic Variants. Thus, based on current medical literature and gene number, this copy number variant (CNV) is classified as pathogenic. References: Wang et al., Mol Genet Genomic Med. 2022 May;10(5):e1924. PMID: 35276034